The following is an entry in ClinVar:

NM_001127222.2(CACNA1A):c.5249G>A (p.Arg1750Gln)

Gene: CACNA1A (calcium voltage-gated channel subunit alpha1 A; minus strand). Cytogenetic location: 19p13.13.
Variant type: single nucleotide variant.
Coding change: c.5249G>A on transcript NM_001127222.2 (MANE Select); coding-DNA position 5249, G replaced by A.
Protein change: p.Arg1750Gln; replaces arginine 1750 with glutamine.
Molecular consequence: missense variant.
Genome position (GRCh38, 1-based): chr19:13,234,921, C>T on the plus strand (G>A on the coding strand, the complement: CACNA1A is on the minus strand). VCF-style: chr19-13234921-C-T. GRCh37 (hg19) VCF-style: chr19-13345735-C-T.
Other names: c.5252G>A (NM_001127221.1); c.5267G>A, p.Arg1756Gln (NM_000068.4, NM_023035.3); c.5252G>A, p.Arg1751Gln (NM_001127221.2); c.5258G>A, p.Arg1753Gln (NM_001174080.2); short protein forms R1753Q, R1756Q, R1750Q, R1751Q.
Identifiers: ClinVar variation 804609 (VCV000804609.10), dbSNP rs781588570, ClinGen allele CA9239796.

ClinVar aggregate classification (germline): Conflicting classifications of pathogenicity. Review status: criteria provided, conflicting classifications (1 of 4 stars). 5 submissions from 5 submitters: Likely pathogenic (2); Uncertain significance (3). Last evaluated 2026-10-09.

Conditions:
CACNA1A-related disorder. Also called: CACNA1A-related condition.
Episodic ataxia type 2 (EA2). Also called: CEREBELLAR ATAXIA, PAROXYSMAL, ACETAZOLAMIDE-RESPONSIVE; CEREBELLOPATHY, HEREDITARY PAROXYSMAL; ATAXIA, EPISODIC, WITH NYSTAGMUS; ATAXIA, FAMILIAL PAROXYSMAL; EPISODIC ATAXIA, NYSTAGMUS-ASSOCIATED; ACETAZOLAMIDE-RESPONSIVE HEREDITARY PAROXYSMAL CEREBELLAR ATAXIA. Identifiers: Orphanet 97, MedGen C1720416, MONDO:0007163, OMIM 108500.
Developmental and epileptic encephalopathy, 42 (DEE42A). Also called: Epileptic encephalopathy, early infantile, 42; DEVELOPMENTAL AND EPILEPTIC ENCEPHALOPATHY 42A; EPILEPTIC ENCEPHALOPATHY, EARLY INFANTILE, 42A. Identifiers: MedGen C4310716, MONDO:0014917, OMIM 617106.

Allele frequency attached by ClinVar (database versions not stated): gnomAD exomes below 0.00001; ExAC 0.00001.
gnomAD v4.1: 2 of 1,607,112 alleles (0.00012%); highest among the groups gnomAD compares: Non-Finnish European, 0.00017%; no homozygotes.

Submissions (5):

GeneDx
Classification: Likely pathogenic. Last evaluated: 2026-10-09. Review status: criteria provided, single submitter. Criteria: GeneDx Variant Classification Process June 2021. Collection method: clinical testing. Allele origin: germline.
Comment: Not observed at significant frequency in large population cohorts (gnomAD); In silico analysis supports that this missense variant has a deleterious effect on protein structure/function; Has not been previously published as pathogenic or benign to our knowledge; This variant is associated with the following publications: (PMID: 37422902)

Clinical Genomics Laboratory, Washington University in St. Louis
Classification: Uncertain significance for Episodic ataxia type 2. Last evaluated: 2024-09-20. Review status: criteria provided, single submitter. Criteria: ACMG Guidelines, 2015. Collection method: clinical testing. Allele origin: germline.
Comment: The CACNA1A c.5249G>A (p.Arg1750Gln) variant, to our knowledge, has not been reported in the medical literature. This variant is only observed on 1/249,240 alleles in the general population (gnomAD v.2.1.1), indicating it is not a common variant. Another variant in the same codon, c.5251C>T (p.Arg1750Trp), has been reported in three affected individuals (two families) and is considered likely pathogenic (Bertholon P et al., PMID: 19864665; Hirasawa-Inoue A et al., PMID: 31288946; ClinVar Variation ID: 935554). Computational predictors indicate that the variant is damaging, evidence that correlates with impact on CACNA1A function. This variant has been reported in the ClinVar database as a germline variant of uncertain significance for episodic ataxia type 2 by three submitters. Due to limited information, and based on ACMG/AMP guidelines for variant interpretation (Richards S et al., PMID: 25741868), the clinical significance of this variant is uncertain at this time.

Labcorp Genetics (formerly Invitae), Labcorp
Classification: Uncertain significance for Developmental and epileptic encephalopathy, 42; Episodic ataxia type 2. Last evaluated: 2024-01-31. Review status: criteria provided, single submitter. Criteria: Invitae Variant Classification Sherloc (09022015). Collection method: clinical testing. Allele origin: germline.
Comment: This sequence change affects codon 1751 of the CACNA1A mRNA. It is a 'silent' change, meaning that it does not change the encoded amino acid sequence of the CACNA1A protein. This variant also falls at the last nucleotide of exon 34, which is part of the consensus splice site for this exon. This variant is present in population databases (rs781588570, gnomAD 0.0009%). This variant has been observed in individual(s) with clinical features of CACNA1A-related conditions (Invitae). ClinVar contains an entry for this variant (Variation ID: 804609). An algorithm developed to predict the effect of missense changes on protein structure and function (PolyPhen-2) suggests that this variant is likely to be disruptive. Variants that disrupt the consensus splice site are a relatively common cause of aberrant splicing (PMID: 17576681, 9536098). Algorithms developed to predict the effect of sequence changes on RNA splicing suggest that this variant may disrupt the consensus splice site. This variant disrupts the p.Arg1751 amino acid residue in CACNA1A. Other variant(s) that disrupt this residue have been observed in individuals with CACNA1A-related conditions (PMID: 19864665, 31288946), which suggests that this may be a clinically significant amino acid residue. In summary, the available evidence is currently insufficient to determine the role of this variant in disease. Therefore, it has been classified as a Variant of Uncertain Significance.

Blueprint Genetics
Classification: Likely pathogenic for CACNA1A-related disorders. Last evaluated: 2022-08-19. Review status: criteria provided, single submitter. Criteria: ACMG Guidelines, 2015. Collection method: clinical testing. Allele origin: germline. Affected: yes. Observed: 1 variant allele.

Athena Diagnostics
Classification: Uncertain significance. Last evaluated: 2019-07-16. Review status: criteria provided, single submitter. Criteria: Athena Diagnostics Criteria. Collection method: clinical testing. Allele origin: germline.

Literature cited by the submitters: PubMed 17576681 (cited by Labcorp Genetics (formerly Invitae), Labcorp); PubMed 9536098 (cited by Labcorp Genetics (formerly Invitae), Labcorp); PubMed 19864665 (cited by Labcorp Genetics (formerly Invitae), Labcorp); PubMed 31288946 (cited by Labcorp Genetics (formerly Invitae), Labcorp).